The following is an entry in ClinVar:

ClinVar aggregate classification (germline): Uncertain significance. Review status: criteria provided, multiple submitters, no conflicts (2 of 4 stars). 3 submissions from 3 submitters: Uncertain significance (3). Last evaluated 2026-06-26.

Conditions:
PKD1-related disorder. Also called: PKD1-related condition.
Inborn genetic diseases. Identifiers: MedGen C0950123, MeSH D030342.

gnomAD v4.1: 19 of 1,211,222 alleles (0.0016%); highest among the groups gnomAD compares: Non-Finnish European, 0.0022%; no homozygotes.

Submissions (3):

GeneDx
Classification: Uncertain significance. Last evaluated: 2026-06-26. Review status: criteria provided, single submitter. Criteria: GeneDx Variant Classification Process June 2021. Collection method: clinical testing. Allele origin: germline.
Comment: In silico analysis supports that this missense variant has a deleterious effect on protein structure/function; In silico analysis suggests this variant may impact gene splicing. In the absence of RNA/functional studies, the actual effect of this sequence change is unknown.; Has not been previously published as pathogenic or benign to our knowledge

Ambry Genetics
Classification: Uncertain significance for Inborn genetic diseases. Last evaluated: 2026-06-09. Review status: criteria provided, single submitter. Criteria: Ambry Variant Classification Scheme 2023. Collection method: clinical testing. Allele origin: germline.

PreventionGenetics, part of Exact Sciences
Classification: Uncertain significance for PKD1-related condition. Last evaluated: 2026-04-16. Review status: criteria provided, single submitter. Criteria: ACMG Guidelines, 2015. Collection method: clinical testing. Allele origin: germline.
Comment: The PKD1 c.556G>C variant is predicted to result in the amino acid substitution p.Asp186His. To our knowledge, this variant has not been reported in the literature. This variant is reported in 0.0018% of alleles in individuals of European (Non-Finnish) descent in gnomAD. At this time, the clinical significance of this variant is uncertain due to the absence of conclusive functional and genetic evidence.

NM_001009944.3(PKD1):c.556G>C (p.Asp186His)

Gene: PKD1 (polycystin 1, transient receptor potential channel interacting; minus strand). Cytogenetic location: 16p13.3.
Variant type: single nucleotide variant.
Coding change: c.556G>C on transcript NM_001009944.3 (MANE Select); coding-DNA position 556, G replaced by C.
Protein change: p.Asp186His; replaces aspartic acid 186 with histidine.
Molecular consequence: missense variant.
Genome position (GRCh38, 1-based): chr16:2,118,436, C>G on the plus strand (G>C on the coding strand, the complement: PKD1 is on the minus strand). VCF-style: chr16-2118436-C-G. GRCh37 (hg19) VCF-style: chr16-2168437-C-G.
Other names: c.556G>C, p.Asp186His (NM_000296.4); c.556G>C (NM_000296.3); short protein forms D186H.
Identifiers: ClinVar variation 3340546 (VCV003340546.4).
Genomic context (GRCh38, chr16:2,118,436, plus strand): 5'-GAAGCAGGCCTTCGTGGGCAGCTGAAAAGGACACTGCTGCCACGGTGCCTGAGCTGTTGT[C>G]AGGGAGGCAGGCGACATACTCCTCACCTAGAAGAGGCAGCCACTGGACCCCGGGTTCTGC-3'
Protein context (NP_001009944.3, residues 176-196): CGEEYVACLP[Asp186His]NSSGTVAAVS